The following is an entry in ClinVar:

ClinVar aggregate classification (germline): Likely benign. Review status: reviewed by expert panel (3 of 4 stars). 18 submissions from 18 submitters: Likely benign (1). 17 of the submissions do not count toward it. Last evaluated 2023-08-17.

Conditions:
CDH1-related diffuse gastric and lobular breast cancer syndrome. Also called: CDH1-related diffuse gastric and lobular breast cancer. Identifiers: MedGen CN311521, MONDO:0100488.
Hereditary cancer-predisposing syndrome. Also called: Tumor predisposition; Hereditary Cancer Syndrome; Hereditary neoplastic syndrome; Neoplastic Syndromes, Hereditary. Identifiers: Orphanet 140162, MedGen C0027672, MeSH D009386, MONDO:0015356.
Hereditary diffuse gastric adenocarcinoma (HDGC). Also called: DIFFUSE GASTRIC AND LOBULAR BREAST CANCER SYNDROME. Identifiers: Orphanet 26106, MedGen C1708349, MONDO:0007648, OMIM 137215.

Allele frequency attached by ClinVar (database versions not stated): ExAC below 0.00001; gnomAD exomes 0.00010 and 0.00054; gnomAD 0.00020 and 0.00022; TOPMed 0.00020.
gnomAD v4.1: 763 of 1,535,658 alleles (0.05%); highest among the groups gnomAD compares: Non-Finnish European, 0.065%; no homozygotes.

Submissions (18):

Clingen Gastric Cancer Variant Curation Expert Panel
Classification: Likely benign for CDH1-related diffuse gastric and lobular breast cancer syndrome. Last evaluated: 2023-08-17. Review status: reviewed by expert panel. Criteria: ClinGen CDH1 ACMG Specifications V3.1. Collection method: curation. Allele origin: germline. Inheritance: Autosomal dominant inheritance.
Comment: The c.33G>C (p.Leu11=) variant results in a synonymous amino acid variant within exon 1. This variant is present at an allele frequency of 0.00012 (18/153328) in gnomAD, with a maximum frequency of 0.00026 (16/60398) in the European (Non-Finnish) subpopulation. The variant has been observed in more than 10 individuals without DGC, SRC tumours or LBC and whose families do not suggest HDGC (BS2). This variant occurs at a nucleotide that is not highly conserved across species and it is not predicted to alter splicing by multiple splice site predictors (BP7, BP4). Although one predictor suggests alteration of an exonic ESE site, the impact of these events has not been well-characterized experimentally. In summary, this variant meets criteria to be classified as likely benign based on the ACMG/AMP criteria applied as specified by the CDH1 Variant Curation Expert Panel (Variant Interpretation Guidelines Version 3.1): BS2, BP4, BP7.

Institute for Biomarker Research, Medical Diagnostic Laboratories, L.L.C.
Classification: Likely benign for Hereditary cancer-predisposing syndrome. Last evaluated: 2026-06-01. Review status: criteria provided, single submitter. Criteria: ACMG Guidelines, 2015. Collection method: clinical testing. Allele origin: germline. Not counted in ClinVar's aggregate classification.
Comment: The synonymous variant NM_004360.5(CDH1):c.33G>C (p.Leu11=) has been reported to ClinVar as Likely benign with a status of (3 stars) reviewed by expert panel (Accession: VCV000182377.39). The p.Leu11= variant is observed in 741/1,147,416 (0.0646%) alleles from individuals of gnomAD v4 EuropeanNonFinnish background in gnomAD v4 All, which is greater than expected for the disorder. The p.Leu11= variant is not predicted to disrupt an existing splice site. The p.Leu11= variant results in a substitution of a base that is not predicted conserved by GERP++ and PhyloP. For these reasons, this variant has been classified as Likely Benign.

Labcorp Genetics (formerly Invitae), Labcorp
Classification: Likely benign for Hereditary diffuse gastric adenocarcinoma. Last evaluated: 2026-02-03. Review status: criteria provided, single submitter. Criteria: Invitae Variant Classification Sherloc (09022015). Collection method: clinical testing. Allele origin: germline. Not counted in ClinVar's aggregate classification.

Center for Genomic Medicine, Rigshospitalet, Copenhagen University Hospital
Classification: Likely benign. Last evaluated: 2025-03-04. Review status: criteria provided, single submitter. Criteria: ACMG Guidelines, 2015. Collection method: clinical testing. Allele origin: germline. Not counted in ClinVar's aggregate classification.

ARUP Laboratories, Molecular Genetics and Genomics, ARUP Laboratories
Classification: Likely benign. Last evaluated: 2024-11-26. Review status: criteria provided, single submitter. Criteria: ARUP Molecular Germline Variant Investigation Process 2024. Collection method: clinical testing. Allele origin: germline. Not counted in ClinVar's aggregate classification.

Blueprint Genetics
Classification: Likely benign. Last evaluated: 2024-11-12. Review status: criteria provided, single submitter. Criteria: ACMG Guidelines, 2015. Collection method: clinical testing. Allele origin: germline. Not counted in ClinVar's aggregate classification.

Myriad Genetics, Inc.
Classification: Benign for Hereditary diffuse gastric adenocarcinoma. Last evaluated: 2024-09-10. Review status: criteria provided, single submitter. Criteria: Myriad Autosomal Dominant, Autosomal Recessive and X-Linked Classification Criteria (2023). Collection method: clinical testing. Allele origin: unknown. Not counted in ClinVar's aggregate classification.
Comment: This variant is considered benign. This variant is a silent/synonymous amino acid change and it is not expected to impact splicing.

Quest Diagnostics Nichols Institute San Juan Capistrano
Classification: Benign. Last evaluated: 2022-02-25. Review status: criteria provided, single submitter. Criteria: Quest Diagnostics criteria. Collection method: clinical testing. Allele origin: unknown. Not counted in ClinVar's aggregate classification.

Sema4
Classification: Benign for Hereditary cancer-predisposing syndrome. Last evaluated: 2021-03-19. Review status: criteria provided, single submitter. Criteria: Sema4 Curation Guidelines. Collection method: curation. Allele origin: germline. Not counted in ClinVar's aggregate classification.

Illumina Laboratory Services, Illumina
Classification: Uncertain significance for Hereditary diffuse gastric adenocarcinoma. Last evaluated: 2018-01-13. Review status: criteria provided, single submitter. Criteria: ICSL Variant Classification Criteria 13 December 2019. Collection method: clinical testing. Allele origin: germline. Not counted in ClinVar's aggregate classification.

Women's Health and Genetics/Laboratory Corporation of America, LabCorp
Classification: Benign. Last evaluated: 2018-01-02. Review status: criteria provided, single submitter. Criteria: LabCorp Variant Classification Summary - May 2015. Collection method: clinical testing. Allele origin: germline. Not counted in ClinVar's aggregate classification.
Comment: Variant summary: The CDH1 c.33G>C (p.Leu11Leu) variant involves the alteration of a non-conserved nucleotide, resulting in a synonymous change. One in silico tool predicts a benign outcome for this variant. 4/5 splice prediction tools predict no significant impact on normal splicing. ESE finder predicts that this variant may affect ESE sites. However, these predictions have yet to be confirmed by functional studies. This variant was found in 18/153328 control chromosomes, predominantly observed in the European (Non-Finnish) subpopulation at a frequency of 0.000265 (16/60398). This frequency is about 9 times the estimated maximal expected allele frequency of a pathogenic CDH1 variant (0.0000283), suggesting this is likely a benign polymorphism found primarily in the populations of European (Non-Finnish) origin. In addition, multiple clinical diagnostic laboratories/reputable databases classified this variant as benign/likely benign. The variant of interest has not, to our knowledge, been reported in affected individuals via publications; nor evaluated for functional impact by in vivo/vitro studies. Taken together, this variant is classified as benign.

PreventionGenetics, part of Exact Sciences
Classification: Likely benign. Last evaluated: 2017-11-28. Review status: criteria provided, single submitter. Criteria: ACMG Guidelines, 2015. Collection method: clinical testing. Allele origin: germline. Not counted in ClinVar's aggregate classification.

Genetic Services Laboratory, University of Chicago
Classification: Likely benign. Last evaluated: 2017-01-10. Review status: criteria provided, single submitter. Criteria: ACMG Guidelines, 2015. Collection method: clinical testing. Allele origin: germline. Affected: no. Not counted in ClinVar's aggregate classification.

Color Diagnostics, LLC DBA Color Health
Classification: Likely benign for Hereditary cancer-predisposing syndrome. Last evaluated: 2015-07-27. Review status: criteria provided, single submitter. Criteria: ACMG Guidelines, 2015. Collection method: clinical testing. Allele origin: germline. Not counted in ClinVar's aggregate classification.

Ambry Genetics
Classification: Likely benign for Hereditary cancer-predisposing syndrome. Last evaluated: 2014-08-29. Review status: criteria provided, single submitter. Criteria: Ambry Variant Classification Scheme 2023. Collection method: clinical testing. Allele origin: germline. Not counted in ClinVar's aggregate classification.

GeneDx
Classification: Benign. Last evaluated: 2014-08-25. Review status: criteria provided, single submitter. Criteria: GeneDx Variant Classification (06012015). Collection method: clinical testing. Allele origin: germline. Affected: yes. Not counted in ClinVar's aggregate classification.
Comment: This variant is considered likely benign or benign based on one or more of the following criteria: it is a conservative change, it occurs at a poorly conserved position in the protein, it is predicted to be benign by multiple in silico algorithms, and/or has population frequency not consistent with disease.

Department of Pathology and Laboratory Medicine, Sinai Health System
Classification: Likely benign for Hereditary diffuse gastric adenocarcinoma. Review status: no assertion criteria provided. Collection method: clinical testing. Allele origin: unknown. Affected: yes. Study: The Canadian Open Genetics Repository (COGR). Not counted in ClinVar's aggregate classification.
Comment: The CDH1 p.Leu11= variant was not identified in the literature nor was it identified in the MutDB or Zhejiang University databases. The variant was identified in dbSNP (ID: rs730881654 as "With other allele") and ClinVar (1x as benign by GeneDx; 6x as likely benign by Ambry Genetics, Invitae, Color Genomics, and three other clinical laboratories; and 2x as uncertain significance by Integrated Genetics/Laboratory Corporation of America). The variant was identified in control databases in 18 of 153328 chromosomes at a frequency of 0.0001 (Genome Aggregation Database Feb 27, 2017). The variant was observed in the following populations: African in 1 of 13794 chromosomes (freq: 0.00007), Other in 1 of 4418 chromosomes (freq: 0.0002), and European in 16 of 60398 chromosomes (freq: 0.0003), while the variant was not observed in the Latino, Ashkenazi Jewish, East Asian, Finnish, or South Asian populations. The p.Leu11= variant is not expected to have clinical significance because it does not result in a change of amino acid and is not located in a known consensus splice site. The variant occurs outside of the splicing consensus sequence and only 1 of 5 in silico or computational prediction software programs (SpliceSiteFinder, MaxEntScan, NNSPLICE, GeneSplicer, HumanSpliceFinder) predict a greater than 10% difference in splicing; this is not very predictive of pathogenicity. In summary, based on the above information the clinical significance of this variant cannot be determined with certainty at this time although we would lean towards a more benign role for this variant. This variant is classified as likely benign.

Mayo Clinic Laboratories, Mayo Clinic
Classification: Likely benign. Review status: no assertion criteria provided. Collection method: clinical testing. Allele origin: unknown. Not counted in ClinVar's aggregate classification.

NM_004360.5(CDH1):c.33G>C (p.Leu11=)

Gene: CDH1 (cadherin 1; plus strand). Cytogenetic location: 16q22.1.
Variant type: single nucleotide variant.
Coding change: c.33G>C on transcript NM_004360.5 (MANE Select); coding-DNA position 33, G replaced by C.
Protein change: p.Leu11=; no amino-acid change (leucine 11 retained).
Molecular consequence: synonymous variant. On other transcripts: 5 prime UTR variant (2).
Genome position (GRCh38, 1-based): chr16:68,737,448, G>C. VCF-style: chr16-68737448-G-C. GRCh37 (hg19) VCF-style: chr16-68771351-G-C.
Other names: p.L11L:CTG>CTC; c.33G>C (LRG_301t1); c.33G>C, p.Leu11= (NM_001317184.2); c.-1583G>C (NM_001317185.2); c.-1787G>C (NM_001317186.2).
Identifiers: ClinVar variation 182377 (VCV000182377.41), dbSNP rs730881654, ClinGen allele CA298941.